The following is an entry in ClinVar:

NM_053025.4(MYLK):c.3028A>G (p.Ser1010Gly)

Gene: MYLK (myosin light chain kinase; minus strand). Cytogenetic location: 3q21.1.
Variant type: single nucleotide variant.
Coding change: c.3028A>G on transcript NM_053025.4 (MANE Select); coding-DNA position 3028, A replaced by G.
Protein change: p.Ser1010Gly; replaces serine 1010 with glycine.
Molecular consequence: missense variant.
Genome position (GRCh38, 1-based): chr3:123,700,440, T>C on the plus strand (A>G on the coding strand, the complement: MYLK is on the minus strand). VCF-style: chr3-123700440-T-C. GRCh37 (hg19) VCF-style: chr3-123419287-T-C.
Other names: c.2500A>G, p.Ser834Gly (NM_001321309.2); c.2821A>G, p.Ser941Gly (NM_053026.4, NM_053028.4); c.3028A>G, p.Ser1010Gly (NM_053027.4); short protein forms S1010G, S834G, S941G.
Identifiers: ClinVar variation 2574896 (VCV002574896.2), dbSNP rs1320927886, ClinGen allele CA354230233.

ClinVar aggregate classification (germline): Uncertain significance. Review status: criteria provided, multiple submitters, no conflicts (2 of 4 stars). 2 submissions from 2 submitters: Uncertain significance (2). Last evaluated 2023-12-22.

Conditions:
Familial thoracic aortic aneurysm and aortic dissection (TAAD). Also called: Thoracic aortic aneurysms and dissections. Identifiers: Orphanet 91387, MedGen C4707243, MONDO:0019625.

Allele frequency attached by ClinVar (database versions not stated): gnomAD exomes below 0.00001; TOPMed below 0.00001; gnomAD 0.00001.
gnomAD v4.1: 3 of 1,609,888 alleles (0.00019%); highest among the groups gnomAD compares: Admixed American, 0.005%; no homozygotes.

Submissions (2):

Ambry Genetics
Classification: Uncertain significance for Familial thoracic aortic aneurysm and aortic dissection. Last evaluated: 2023-12-22. Review status: criteria provided, single submitter. Criteria: Ambry Variant Classification Scheme 2023. Collection method: clinical testing. Allele origin: germline.
Comment: The p.S1010G variant (also known as c.3028A>G), located in coding exon 15 of the MYLK gene, results from an A to G substitution at nucleotide position 3028. The serine at codon 1010 is replaced by glycine, an amino acid with similar properties. This amino acid position is conserved. In addition, this alteration is predicted to be tolerated by in silico analysis. Since supporting evidence is limited at this time, the clinical significance of this alteration remains unclear.

GeneDx
Classification: Uncertain significance. Last evaluated: 2023-02-03. Review status: criteria provided, single submitter. Criteria: GeneDx Variant Classification Process June 2021. Collection method: clinical testing. Allele origin: germline. Affected: yes.
Comment: Has not been previously published as pathogenic or benign to our knowledge; Not observed at significant frequency in large population cohorts (gnomAD); In silico analysis supports that this missense variant does not alter protein structure/function